The following is an entry in ClinVar:

ClinVar aggregate classification (germline): Uncertain significance. Review status: criteria provided, multiple submitters, no conflicts (2 of 4 stars). 2 submissions from 2 submitters: Uncertain significance (2). Last evaluated 2025-08-25.

Conditions:
PLXNA1-related disorder. Also called: PLXNA1-related condition.

Allele frequency attached by ClinVar (database versions not stated): gnomAD exomes below 0.00001.
gnomAD v4.1: 1 of 1,613,128 alleles (0.000062%); highest among the groups gnomAD compares: Non-Finnish European, 0.000085%; no homozygotes.

Submissions (2):

Ambry Genetics
Classification: Uncertain significance. Last evaluated: 2025-08-25. Review status: criteria provided, single submitter. Criteria: Ambry Variant Classification Scheme 2023. Collection method: clinical testing. Allele origin: germline.

PreventionGenetics, part of Exact Sciences
Classification: Uncertain significance for PLXNA1-related condition. Last evaluated: 2022-09-08. Review status: criteria provided, single submitter. Criteria: ACMG Guidelines, 2015. Collection method: clinical testing. Allele origin: germline.
Comment: The PLXNA1 c.4001C>G variant is predicted to result in the amino acid substitution p.Pro1334Arg. To our knowledge, this variant has not been reported in the literature or in a large population database, indicating this variant is rare. At this time, the clinical significance of this variant is uncertain due to the absence of conclusive functional and genetic evidence.

NM_032242.4(PLXNA1):c.4001C>G (p.Pro1334Arg)

Gene: PLXNA1 (plexin A1; plus strand). Cytogenetic location: 3q21.3.
Variant type: single nucleotide variant.
Coding change: c.4001C>G on transcript NM_032242.4 (MANE Select); coding-DNA position 4001, C replaced by G.
Protein change: p.Pro1334Arg; replaces proline 1334 with arginine.
Molecular consequence: missense variant.
Genome position (GRCh38, 1-based): chr3:127,020,307, C>G. VCF-style: chr3-127020307-C-G. GRCh37 (hg19) VCF-style: chr3-126739150-C-G.
Other names: short protein forms P1334R.
Identifiers: ClinVar variation 2637057 (VCV002637057.2), dbSNP rs2472549394, ClinGen allele CA354394818.